The following is an entry in ClinVar:

NM_004360.5(CDH1):c.1955T>G (p.Leu652Trp)

Gene: CDH1 (cadherin 1; plus strand). Cytogenetic location: 16q22.1.
Variant type: single nucleotide variant.
Coding change: c.1955T>G on transcript NM_004360.5 (MANE Select); coding-DNA position 1955, T replaced by G.
Protein change: p.Leu652Trp; replaces leucine 652 with tryptophan.
Molecular consequence: missense variant. On other transcripts: 5 prime UTR variant (1).
Genome position (GRCh38, 1-based): chr16:68,823,417, T>G. VCF-style: chr16-68823417-T-G. GRCh37 (hg19) VCF-style: chr16-68857320-T-G.
Other names: c.1772T>G, p.Leu591Trp (NM_001317184.2); c.407T>G, p.Leu136Trp (NM_001317185.2); c.-11T>G (NM_001317186.2); short protein forms L652W, L136W, L591W.
Identifiers: ClinVar variation 620606 (VCV000620606.9), dbSNP rs1567513174, ClinGen allele CA396467536.

ClinVar aggregate classification (germline): Uncertain significance. Review status: criteria provided, multiple submitters, no conflicts (2 of 4 stars). 3 submissions from 3 submitters: Uncertain significance (3). Last evaluated 2025-10-27.

Conditions:
Hereditary diffuse gastric adenocarcinoma (HDGC). Also called: DIFFUSE GASTRIC AND LOBULAR BREAST CANCER SYNDROME. Identifiers: Orphanet 26106, MedGen C1708349, MONDO:0007648, OMIM 137215.

Submissions (3):

Quest Diagnostics Nichols Institute San Juan Capistrano
Classification: Uncertain significance. Last evaluated: 2025-10-27. Review status: criteria provided, single submitter. Criteria: Quest Diagnostics criteria. Collection method: clinical testing. Allele origin: unknown.
Comment: The CDH1 c.1955T>G (p.Leu652Trp) variant has not been reported in individuals with CDH1-related conditions in the published literature. This variant has not been reported in large, multi-ethnic general populations (Genome Aggregation Database). Analysis of this variant using bioinformatics tools for the prediction of the effect of amino acid changes on protein structure and function yielded conflicting predictions that this variant is benign or damaging. Based on the available information, we are unable to determine the clinical significance of this variant.

Labcorp Genetics (formerly Invitae), Labcorp
Classification: Uncertain significance for Hereditary diffuse gastric adenocarcinoma. Last evaluated: 2022-03-03. Review status: criteria provided, single submitter. Criteria: Invitae Variant Classification Sherloc (09022015). Collection method: clinical testing. Allele origin: germline.
Comment: Algorithms developed to predict the effect of missense changes on protein structure and function (SIFT, PolyPhen-2, Align-GVGD) all suggest that this variant is likely to be disruptive. ClinVar contains an entry for this variant (Variation ID: 620606). This variant has not been reported in the literature in individuals affected with CDH1-related conditions. This variant is not present in population databases (gnomAD no frequency). This sequence change replaces leucine, which is neutral and non-polar, with tryptophan, which is neutral and slightly polar, at codon 652 of the CDH1 protein (p.Leu652Trp). In summary, the available evidence is currently insufficient to determine the role of this variant in disease. Therefore, it has been classified as a Variant of Uncertain Significance.

St. Jude Molecular Pathology, St. Jude Children's Research Hospital
Classification: Uncertain significance for Hereditary diffuse gastric adenocarcinoma. Last evaluated: 2020-09-09. Review status: criteria provided, single submitter. Criteria: St. Jude Assertion Criteria 2020. Collection method: clinical testing. Allele origin: germline.

Literature cited by the submitters: PubMed 34301788 (cited by Quest Diagnostics Nichols Institute San Juan Capistrano).